The following is an entry in ClinVar:

NM_007059.4(KPTN):c.423C>A (p.Phe141Leu)

Gene: KPTN (kaptin, actin binding protein; minus strand). Cytogenetic location: 19q13.32.
Variant type: single nucleotide variant.
Coding change: c.423C>A on transcript NM_007059.4 (MANE Select); coding-DNA position 423, C replaced by A.
Protein change: p.Phe141Leu; replaces phenylalanine 141 with leucine.
Molecular consequence: missense variant. On other transcripts: non-coding transcript variant (1).
Genome position (GRCh38, 1-based): chr19:47,483,187, G>T on the plus strand (C>A on the coding strand, the complement: KPTN is on the minus strand). VCF-style: chr19-47483187-G-T. GRCh37 (hg19) VCF-style: chr19-47986444-G-T.
Other names: c.255C>A, p.Phe85Leu (NM_001291296.2); short protein forms F141L, F85L.
Identifiers: ClinVar variation 953682 (VCV000953682.10), dbSNP rs927688047, ClinGen allele CA406605298.
Genomic context (GRCh38, chr19:47,483,187, plus strand): 5'-GTGGAGTGGGCGTCGATGCGCAGGGGACACTCACTCCGCATGGCACAGCTGGAACGGAGT[G>T]AACTGGAGCTCCAGGTTCAGGCAGCTCTCTGTAGGCAGGGCACAGGCAGGTTAGCATGGG-3'
Protein context (NP_008990.2, residues 131-151): AQSCLNLELQ[Phe141Leu]TPFQLCHAEV

ClinVar aggregate classification (germline): Uncertain significance (1 of 4 stars; one submission).

Conditions:
Macrocephaly-developmental delay syndrome (MRT41). Also called: INTELLECTUAL DEVELOPMENTAL DISORDER, AUTOSOMAL RECESSIVE 41. Identifiers: Orphanet 397612, MedGen C3810225, MONDO:0014289, OMIM 615637.

gnomAD v4.1: 2 of 1,614,076 alleles (0.00012%); highest among the groups gnomAD compares: South Asian, 0.0022%; no homozygotes.

Submission:

Labcorp Genetics (formerly Invitae), Labcorp
Classification: Uncertain significance for Macrocephaly-developmental delay syndrome. Last evaluated: 2019-08-11. Review status: criteria provided, single submitter. Criteria: Invitae Variant Classification Sherloc (09022015). Collection method: clinical testing. Allele origin: germline.
Comment: This sequence change replaces phenylalanine with leucine at codon 141 of the KPTN protein (p.Phe141Leu). The phenylalanine residue is highly conserved and there is a small physicochemical difference between phenylalanine and leucine. This variant is not present in population databases (ExAC no frequency). This variant has not been reported in the literature in individuals with KPTN-related conditions. Algorithms developed to predict the effect of missense changes on protein structure and function are either unavailable or do not agree on the potential impact of this missense change (SIFT: "Deleterious"; PolyPhen-2: "Probably Damaging"; Align-GVGD: "Class C0"). In summary, the available evidence is currently insufficient to determine the role of this variant in disease. Therefore, it has been classified as a Variant of Uncertain Significance.